The following is an entry in ClinVar:

NM_032119.4(ADGRV1):c.18269A>G (p.Lys6090Arg)

Gene: ADGRV1 (adhesion G protein-coupled receptor V1; plus strand). Cytogenetic location: 5q14.3.
Variant type: single nucleotide variant.
Coding change: c.18269A>G on transcript NM_032119.4 (MANE Select); coding-DNA position 18269, A replaced by G.
Protein change: p.Lys6090Arg; replaces lysine 6090 with arginine.
Molecular consequence: missense variant. On other transcripts: non-coding transcript variant (1).
Genome position (GRCh38, 1-based): chr5:91,072,563, A>G. VCF-style: chr5-91072563-A-G. GRCh37 (hg19) VCF-style: chr5-90368380-A-G.
Other names: short protein forms K6090R.
Identifiers: ClinVar variation 4697795 (VCV004697795.1).

ClinVar aggregate classification (germline): Uncertain significance (1 of 4 stars; one submission).

gnomAD v4.1: 8 of 1,613,782 alleles (0.0005%); highest among the groups gnomAD compares: Non-Finnish European, 0.00059%; no homozygotes.

Submission:

Labcorp Genetics (formerly Invitae), Labcorp
Classification: Uncertain significance. Last evaluated: 2025-09-26. Review status: criteria provided, single submitter. Criteria: Invitae Variant Classification Sherloc (09022015). Collection method: clinical testing. Allele origin: germline.
Comment: This sequence change replaces lysine, which is basic and polar, with arginine, which is basic and polar, at codon 6090 of the ADGRV1 protein (p.Lys6090Arg). This variant is present in population databases (no rsID available, gnomAD 0.0009%). This variant has not been reported in the literature in individuals affected with ADGRV1-related conditions. An algorithm developed to predict the effect of missense changes on protein structure and function outputs the following: PolyPhen-2: "Possibly Damaging". The arginine amino acid residue is found in multiple mammalian species, which suggests that this missense change does not adversely affect protein function. In summary, the available evidence is currently insufficient to determine the role of this variant in disease. Therefore, it has been classified as a Variant of Uncertain Significance.